The following is an entry in ClinVar:

NM_022835.3(PLEKHG2):c.2162T>A (p.Leu721Gln)

Gene: PLEKHG2 (pleckstrin homology and RhoGEF domain containing G2; plus strand). Cytogenetic location: 19q13.2.
Variant type: single nucleotide variant.
Coding change: c.2162T>A on transcript NM_022835.3 (MANE Select); coding-DNA position 2162, T replaced by A.
Protein change: p.Leu721Gln; replaces leucine 721 with glutamine.
Molecular consequence: missense variant. On other transcripts: intron variant (1).
Genome position (GRCh38, 1-based): chr19:39,423,216, T>A. VCF-style: chr19-39423216-T-A. GRCh37 (hg19) VCF-style: chr19-39913856-T-A.
Other names: c.1985T>A, p.Leu662Gln (NM_001351693.2); c.1677+928T>A (NM_001351694.2); short protein forms L662Q, L721Q.
Identifiers: ClinVar variation 3614048 (VCV003614048.1).

ClinVar aggregate classification (germline): Uncertain significance (1 of 4 stars; one submission).

Submission:

Labcorp Genetics (formerly Invitae), Labcorp
Classification: Uncertain significance. Last evaluated: 2024-10-16. Review status: criteria provided, single submitter. Criteria: Invitae Variant Classification Sherloc (09022015). Collection method: clinical testing. Allele origin: germline.
Comment: This sequence change replaces leucine, which is neutral and non-polar, with glutamine, which is neutral and polar, at codon 721 of the PLEKHG2 protein (p.Leu721Gln). This variant is present in population databases (no rsID available, gnomAD 0.0009%). This variant has not been reported in the literature in individuals affected with PLEKHG2-related conditions. An algorithm developed to predict the effect of missense changes on protein structure and function (PolyPhen-2) suggests that this variant is likely to be disruptive. In summary, the available evidence is currently insufficient to determine the role of this variant in disease. Therefore, it has been classified as a Variant of Uncertain Significance.